The following is an entry in ClinVar:

ClinVar aggregate classification (germline): Uncertain significance (1 of 4 stars; one submission).

Submission:

Labcorp Genetics (formerly Invitae), Labcorp
Classification: Uncertain significance. Last evaluated: 2023-02-10. Review status: criteria provided, single submitter. Criteria: Invitae Variant Classification Sherloc (09022015). Collection method: clinical testing. Allele origin: germline.
Comment: This sequence change replaces glutamic acid, which is acidic and polar, with valine, which is neutral and non-polar, at codon 44 of the NIN protein (p.Glu44Val). This variant is not present in population databases (gnomAD no frequency). This variant has not been reported in the literature in individuals affected with NIN-related conditions. Algorithms developed to predict the effect of missense changes on protein structure and function are either unavailable or do not agree on the potential impact of this missense change (SIFT: "Deleterious"; PolyPhen-2: "Probably Damaging"; Align-GVGD: "Class C0"). In summary, the available evidence is currently insufficient to determine the role of this variant in disease. Therefore, it has been classified as a Variant of Uncertain Significance.

NM_020921.4(NIN):c.131A>T (p.Glu44Val)

Genes: NIN (ninein; minus strand), LOC105370489 (uncharacterized LOC105370489; plus strand). Cytogenetic location: 14q22.1.
Variant type: single nucleotide variant.
Coding change: c.131A>T on transcript NM_020921.4 (MANE Select); coding-DNA position 131, A replaced by T.
Protein change: p.Glu44Val; replaces glutamic acid 44 with valine.
Molecular consequence: missense variant. On other transcripts: non-coding transcript variant (1).
Genome position (GRCh38, 1-based): chr14:50,821,926, T>A on the plus strand (A>T on the coding strand, the complement: NIN is on the minus strand). VCF-style: chr14-50821926-T-A. GRCh37 (hg19) VCF-style: chr14-51288644-T-A.
Other names: c.131A>T, p.Glu44Val (NM_016350.5, NM_182944.3, NM_182946.2); short protein forms E44V.
Identifiers: ClinVar variation 2779228 (VCV002779228.3), dbSNP rs2503172077, ClinGen allele CA389684542.
Genomic context (GRCh38, chr14:50,821,926, plus strand): 5'-GACCTTACCCTGCCCAAGAGGTTGTCCTGAAGTAATGTCTGCTGCAGCACTGGGGCCACC[T>A]CCTCCAAGCTCAACATGTGGCAAAGGTCGGTGAGTTCCTCCTGCCCCAGGGACCCTGTGC-3'
Protein context (NP_065972.4, residues 34-54): TDLCHMLSLE[Glu44Val]VAPVLQQTLL